The following is an entry in ClinVar:

NM_000441.2(SLC26A4):c.1723A>G (p.Ile575Val)

Gene: SLC26A4 (solute carrier family 26 member 4; plus strand). Cytogenetic location: 7q22.3.
Variant type: single nucleotide variant.
Coding change: c.1723A>G on transcript NM_000441.2 (MANE Select); coding-DNA position 1723, A replaced by G.
Protein change: p.Ile575Val; replaces isoleucine 575 with valine.
Molecular consequence: missense variant.
Genome position (GRCh38, 1-based): chr7:107,701,116, A>G. VCF-style: chr7-107701116-A-G. GRCh37 (hg19) VCF-style: chr7-107341561-A-G.
Other names: short protein forms I575V.
Identifiers: ClinVar variation 5016693 (VCV005016693.1).

ClinVar aggregate classification (germline): Uncertain significance (1 of 4 stars; one submission).

gnomAD v4.1: 19 of 1,605,752 alleles (0.0012%); highest among the groups gnomAD compares: East Asian, 0.038%; no homozygotes.

Submission:

GeneDx
Classification: Uncertain significance. Last evaluated: 2026-04-06. Review status: criteria provided, single submitter. Criteria: GeneDx Variant Classification Process June 2021. Collection method: clinical testing. Allele origin: germline.
Comment: In silico analysis suggests that this missense variant does not alter protein structure/function; Observed in the heterozygous state in an individual with normal hearing in published literature (Kim H et al. 2014. J Genet med. 11 (2):63-68 DOI 10.5734/JGM.2014.11.2.63); This variant is associated with the following publications: (PMID: Kim2014[Case Control])